The following is an entry in ClinVar:

NM_144670.6(A2ML1):c.1080+180C>A

Gene: A2ML1 (alpha-2-macroglobulin like 1; plus strand). Cytogenetic location: 12p13.31.
Variant type: single nucleotide variant.
Coding change: c.1080+180C>A on transcript NM_144670.6 (MANE Select); 180 bases into the intron after coding-DNA position 1080, C replaced by A.
Molecular consequence: intron variant.
Genome position (GRCh38, 1-based): chr12:8,839,402, C>A. VCF-style: chr12-8839402-C-A. GRCh37 (hg19) VCF-style: chr12-8991998-C-A.
Identifiers: ClinVar variation 561535 (VCV000561535.1), dbSNP rs1344452, ClinGen allele CA16435671.

ClinVar aggregate classification (germline): Benign (1 of 4 stars; one submission).

Allele frequency attached by ClinVar (database versions not stated): TOPMed 0.91894; gnomAD 0.92386 and 0.92922; 1000 Genomes Project 30x 0.92723; 1000 Genomes Project 0.93291.
gnomAD v4.1: 141,526 of 152,254 alleles (93%); highest among the groups gnomAD compares: East Asian, 100%; 66,444 homozygotes.

Submission:

GeneDx
Classification: Benign. Last evaluated: 2018-06-14. Review status: criteria provided, single submitter. Criteria: GeneDx Variant Classification (06012015). Collection method: clinical testing. Allele origin: germline. Affected: yes.
Comment: This variant is considered likely benign or benign based on one or more of the following criteria: it is a conservative change, it occurs at a poorly conserved position in the protein, it is predicted to be benign by multiple in silico algorithms, and/or has population frequency not consistent with disease.